The following is an entry in ClinVar:

NM_001365276.2(TNXB):c.7483G>A (p.Gly2495Ser)

Gene: TNXB (tenascin XB; minus strand). Cytogenetic location: 6p21.33.
Variant type: single nucleotide variant.
Coding change: c.7483G>A on transcript NM_001365276.2 (MANE Select); coding-DNA position 7483, G replaced by A.
Protein change: p.Gly2495Ser; replaces glycine 2495 with serine.
Molecular consequence: missense variant.
Genome position (GRCh38, 1-based): chr6:32,061,406, C>T on the plus strand (G>A on the coding strand, the complement: TNXB is on the minus strand). VCF-style: chr6-32061406-C-T. GRCh37 (hg19) VCF-style: chr6-32029183-C-T.
Other names: c.7483G>A, p.Gly2495Ser (NM_019105.8); short protein forms G2495S.
Identifiers: ClinVar variation 261161 (VCV000261161.16), dbSNP rs2269429, ClinGen allele CA3734140.

ClinVar aggregate classification (germline): Benign/Likely benign. Review status: criteria provided, multiple submitters, no conflicts (2 of 4 stars). 8 submissions from 8 submitters: Benign (7); Likely benign (1). Last evaluated 2026-02-04.

Conditions:
Cardiovascular phenotype. Identifiers: MedGen CN230736.
Ehlers-Danlos syndrome (EDS). Identifiers: Orphanet 98249, MedGen C0013720, MONDO:0020066.

Allele frequency attached by ClinVar (database versions not stated): gnomAD 0.12889 and 0.13361; 1000 Genomes Project 30x 0.17146; 1000 Genomes Project 0.16753; ESP Exome Variant Server 0.11643; TOPMed 0.13048.
gnomAD v4.1: 179,607 of 1,612,046 alleles (11%); highest among the groups gnomAD compares: South Asian, 34%; 14,412 homozygotes.

Submissions (14):

Labcorp Genetics (formerly Invitae), Labcorp
Classification: Benign. Last evaluated: 2026-02-04. Review status: criteria provided, single submitter. Criteria: Invitae Variant Classification Sherloc (09022015). Collection method: clinical testing. Allele origin: germline.

Women's Health and Genetics/Laboratory Corporation of America, LabCorp
Classification: Likely benign. Last evaluated: 2026-01-21. Review status: criteria provided, single submitter. Criteria: LabCorp Variant Classification Summary - May 2015. Collection method: clinical testing. Allele origin: germline.

Mayo Clinic Laboratories, Mayo Clinic
Classification: Benign. Last evaluated: 2023-01-12. Review status: criteria provided, single submitter. Criteria: ACMG Guidelines, 2015. Collection method: clinical testing. Allele origin: germline. Observed: 593 variant alleles.
Comment: BA1

Genome Diagnostics Laboratory, The Hospital for Sick Children
Classification: Benign for Ehlers-Danlos syndrome. Last evaluated: 2022-07-14. Review status: criteria provided, single submitter. Criteria: ACMG Guidelines, 2015. Collection method: clinical testing. Allele origin: germline.

Ambry Genetics
Classification: Benign for Cardiovascular phenotype. Last evaluated: 2018-12-31. Review status: criteria provided, single submitter. Criteria: Ambry Variant Classification Scheme 2023. Collection method: clinical testing. Allele origin: germline.

GeneDx
Classification: Benign. Last evaluated: 2018-07-09. Review status: criteria provided, single submitter. Criteria: GeneDx Variant Classification Process June 2021. Collection method: clinical testing. Allele origin: germline. Affected: yes.
Comment: This variant is associated with the following publications: (PMID: 16574953)

Laboratory for Molecular Medicine, Mass General Brigham Personalized Medicine
Classification: Benign. Last evaluated: 2016-04-25. Review status: criteria provided, single submitter. Criteria: LMM Criteria. Collection method: clinical testing. Allele origin: germline.
Comment: Variant identified in a genome or exome case(s) and assessed due to predicted null impact of the variant or pathogenic assertions in the literature or databases. Disclaimer: This variant has not undergone full assessment. The following are preliminary notes: Frequency

PreventionGenetics, part of Exact Sciences
Classification: Benign. Review status: criteria provided, single submitter. Criteria: ACMG Guidelines, 2015. Collection method: clinical testing. Allele origin: germline.

Dr. Peter K. Rogan Lab, Western University
No classification provided (evidence only). Condition: Cholangiocarcinoma. Review status: no classification provided. Collection method: in vitro. Allele origin: not applicable. Functional consequence: retained intron. Not counted in ClinVar's aggregate classification.

Dr. Peter K. Rogan Lab, Western University
No classification provided (evidence only). Condition: Cholangiocarcinoma. Review status: no classification provided. Collection method: in vitro. Allele origin: not applicable. Functional consequence: retained intron. Not counted in ClinVar's aggregate classification.

Dr. Peter K. Rogan Lab, Western University
No classification provided (evidence only). Condition: Adrenocortical carcinoma, hereditary. Review status: no classification provided. Collection method: in vitro. Allele origin: not applicable. Functional consequence: retained intron. Not counted in ClinVar's aggregate classification.

Dr. Peter K. Rogan Lab, Western University
No classification provided (evidence only). Condition: Adrenocortical carcinoma, hereditary. Review status: no classification provided. Collection method: in vitro. Allele origin: not applicable. Functional consequence: retained intron. Not counted in ClinVar's aggregate classification.

Dr. Peter K. Rogan Lab, Western University
No classification provided (evidence only). Condition: Uterine carcinosarcoma. Review status: no classification provided. Collection method: in vitro. Allele origin: not applicable. Functional consequence: retained intron. Not counted in ClinVar's aggregate classification.

Dr. Peter K. Rogan Lab, Western University
No classification provided (evidence only). Condition: Uterine carcinosarcoma. Review status: no classification provided. Collection method: in vitro. Allele origin: not applicable. Functional consequence: retained intron. Not counted in ClinVar's aggregate classification.